The following is an entry in ClinVar:

ClinVar aggregate classification (germline): Likely benign. Review status: criteria provided, multiple submitters, no conflicts (2 of 4 stars). 3 submissions from 3 submitters: Likely benign (2). 1 of the submissions does not count toward it. Last evaluated 2026-02-01.

Conditions:
Immunodeficiency 14 (IMD14A). Also called: IMMUNODEFICIENCY 14A WITH LYMPHOPROLIFERATION, AUTOSOMAL DOMINANT; p110-DELTA-ACTIVATING MUTATION CAUSING SENESCENT T CELLS, LYMPHADENOPATHY, AND IMMUNODEFICIENCY; ACTIVATED PI3K-DELTA SYNDROME 1; Activated PI3K Delta Syndrome Type 1 (APDS1). Identifiers: Orphanet 397596, Orphanet 693661, MedGen C5907821, MONDO:0014222, OMIM 615513.
PIK3CD-related disorder. Also called: PIK3CD-related condition.

Allele frequency attached by ClinVar (database versions not stated): gnomAD 0.00006 and 0.00004; gnomAD exomes 0.00006 and 0.00008; TOPMed 0.00004; ExAC 0.00009; 1000 Genomes Project 30x 0.00016; 1000 Genomes Project 0.00020.
gnomAD v4.1: 109 of 1,613,936 alleles (0.0068%); highest among the groups gnomAD compares: East Asian, 0.022%; no homozygotes.

Submissions (3):

Labcorp Genetics (formerly Invitae), Labcorp
Classification: Likely benign for Activated PI3K-delta syndrome. Last evaluated: 2026-02-01. Review status: criteria provided, single submitter. Criteria: Invitae Variant Classification Sherloc (09022015). Collection method: clinical testing. Allele origin: germline.

Blueprint Genetics
Classification: Likely benign. Last evaluated: 2024-08-30. Review status: criteria provided, single submitter. Criteria: ACMG Guidelines, 2015. Collection method: clinical testing. Allele origin: germline.

PreventionGenetics, part of Exact Sciences
Classification: Likely benign for PIK3CD-related condition. Last evaluated: 2020-03-23. Review status: no assertion criteria provided. Collection method: clinical testing. Allele origin: germline. Not counted in ClinVar's aggregate classification.
Comment: This variant is classified as likely benign based on ACMG/AMP sequence variant interpretation guidelines (Richards et al. 2015 PMID: 25741868, with internal and published modifications).

NM_005026.5(PIK3CD):c.2949G>A (p.Ala983=)

Gene: PIK3CD (phosphatidylinositol-4,5-bisphosphate 3-kinase catalytic subunit delta; plus strand). Cytogenetic location: 1p36.22.
Variant type: single nucleotide variant.
Coding change: c.2949G>A on transcript NM_005026.5 (MANE Select); coding-DNA position 2949, G replaced by A.
Protein change: p.Ala983=; no amino-acid change (alanine 983 retained).
Molecular consequence: synonymous variant.
Genome position (GRCh38, 1-based): chr1:9,724,888, G>A. VCF-style: chr1-9724888-G-A. GRCh37 (hg19) VCF-style: chr1-9784946-G-A.
Other names: c.2949G>A (NM_005026.3); c.2946G>A, p.Ala982= (NM_001350234.2); c.2862G>A, p.Ala954= (NM_001350235.1).
Identifiers: ClinVar variation 1149426 (VCV001149426.12), dbSNP rs527893231, ClinGen allele CA577686.